The following is an entry in ClinVar:

ClinVar aggregate classification (germline): Uncertain significance (1 of 4 stars; one submission).

Submission:

GeneDx
Classification: Uncertain significance. Last evaluated: 2019-06-17. Review status: criteria provided, single submitter. Criteria: GeneDx Variant Classification Process June 2021. Collection method: clinical testing. Allele origin: germline. Affected: yes.
Comment: Not observed in large population cohorts (Lek et al., 2016); In silico analysis, which includes protein predictors and evolutionary conservation, supports that this variant does not alter protein structure/function; Has not been previously published as pathogenic or benign to our knowledge

NM_001001557.4(GDF6):c.177C>A (p.Asp59Glu)

Gene: GDF6 (growth differentiation factor 6; minus strand). Cytogenetic location: 8q22.1.
Variant type: single nucleotide variant.
Coding change: c.177C>A on transcript NM_001001557.4 (MANE Select); coding-DNA position 177, C replaced by A.
Protein change: p.Asp59Glu; replaces aspartic acid 59 with glutamic acid.
Molecular consequence: missense variant.
Genome position (GRCh38, 1-based): chr8:96,160,516, G>T on the plus strand (C>A on the coding strand, the complement: GDF6 is on the minus strand). VCF-style: chr8-96160516-G-T. GRCh37 (hg19) VCF-style: chr8-97172744-G-T.
Other names: short protein forms D59E.
Identifiers: ClinVar variation 1213174 (VCV001213174.3), dbSNP rs1586126489, ClinGen allele CA371753792.